The following is an entry in ClinVar:

NM_023037.3(FRY):c.6474T>C (p.Asn2158=)

Gene: FRY (FRY microtubule binding protein; plus strand). Cytogenetic location: 13q13.1.
Variant type: single nucleotide variant.
Coding change: c.6474T>C on transcript NM_023037.3 (MANE Select); coding-DNA position 6474, T replaced by C.
Protein change: p.Asn2158=; no amino-acid change (asparagine 2158 retained).
Molecular consequence: synonymous variant.
Genome position (GRCh38, 1-based): chr13:32,239,307, T>C. VCF-style: chr13-32239307-T-C. GRCh37 (hg19) VCF-style: chr13-32813444-T-C.
Identifiers: ClinVar variation 733761 (VCV000733761.28), dbSNP rs74044948, ClinGen allele CA6939440.

ClinVar aggregate classification (germline): Benign/Likely benign. Review status: criteria provided, multiple submitters, no conflicts (2 of 4 stars). 3 submissions from 3 submitters: Benign (2); Likely benign (1). Last evaluated 2022-06-01.

Allele frequency attached by ClinVar (database versions not stated): gnomAD exomes 0.00025 and 0.00074; ExAC 0.00089; ESP Exome Variant Server 0.00208; 1000 Genomes Project 0.00260; gnomAD 0.00280 and 0.00308; 1000 Genomes Project 30x 0.00297; TOPMed 0.00305.
gnomAD v4.1: 821 of 1,611,838 alleles (0.051%); highest among the groups gnomAD compares: African/African-American, 0.94%; 3 homozygotes.

Submissions (3):

CeGaT Center for Human Genetics Tuebingen
Classification: Likely benign. Last evaluated: 2022-06-01. Review status: criteria provided, single submitter. Criteria: CeGaT Center For Human Genetics Tuebingen Variant Classification Criteria Version 2. Collection method: clinical testing. Allele origin: germline. Affected: yes. Observed: 1 variant allele.
Comment: FRY: BP4, BP7

Labcorp Genetics (formerly Invitae), Labcorp
Classification: Benign. Last evaluated: 2018-05-02. Review status: criteria provided, single submitter. Criteria: Invitae Variant Classification Sherloc (09022015). Collection method: clinical testing. Allele origin: germline.

Breakthrough Genomics
Classification: Benign. Review status: criteria provided, single submitter. Criteria: ACMG Guidelines, 2015. Collection method: not provided. Allele origin: germline. Inheritance: Unknown mechanism. Affected: yes.